The following is an entry in ClinVar:

NM_001378454.1(ALMS1):c.281dup (p.Gln95fs)

Gene: ALMS1 (ALMS1 centrosome and basal body associated protein; plus strand). Cytogenetic location: 2p13.1.
Variant type: Duplication.
Coding change: c.281dup on transcript NM_001378454.1 (MANE Select); coding-DNA position 281, one base duplicated (C; older notation c.281dupC).
Protein change: p.Gln95fs; shifts the reading frame from glutamine 95.
Molecular consequence: frameshift variant.
Genome position (GRCh38, 1-based): chr2:73,386,149, C duplicated; the last of 5 consecutive C bases (chr2:73,386,145-73,386,149); duplicating any one gives the same sequence. VCF-style (leftmost placement, unchanged base first): chr2-73386144-G-GC. GRCh37 (hg19) VCF-style: chr2-73613272-G-GC.
Other names: c.284dup, p.Gln96fs (NM_015120.4); c.284dupC (NM_015120.4); short protein forms Q95fs, Q96fs.
Identifiers: ClinVar variation 1072559 (VCV001072559.12), dbSNP rs2104060044, ClinGen allele CA2499216241.

ClinVar aggregate classification (germline): Pathogenic/Likely pathogenic. Review status: criteria provided, multiple submitters, no conflicts (2 of 4 stars). 5 submissions from 5 submitters: Pathogenic (2); Likely pathogenic (3). Last evaluated 2025-11-21.

Conditions:
Alstrom syndrome (ALMS). Identifiers: Orphanet 64, MedGen C0268425, MONDO:0008763, OMIM 203800.
ALMS1-related disorder. Also called: ALMS1-related condition.

Submissions (5):

Labcorp Genetics (formerly Invitae), Labcorp
Classification: Pathogenic for Alstrom syndrome. Last evaluated: 2025-11-21. Review status: criteria provided, single submitter. Criteria: Invitae Variant Classification Sherloc (09022015). Collection method: clinical testing. Allele origin: germline.
Comment: This sequence change creates a premature translational stop signal (p.Gln96Alafs*32) in the ALMS1 gene. It is expected to result in an absent or disrupted protein product. Loss-of-function variants in ALMS1 are known to be pathogenic (PMID: 17594715). This variant is not present in population databases (gnomAD no frequency). This variant has not been reported in the literature in individuals affected with ALMS1-related conditions. ClinVar contains an entry for this variant (Variation ID: 1072559). For these reasons, this variant has been classified as Pathogenic.

Natera, Inc.
Classification: Likely pathogenic for Alstrom syndrome. Last evaluated: 2025-08-28. Review status: criteria provided, single submitter. Criteria: Natera Variant Classification Schema (03/2026). Collection method: clinical testing. Allele origin: germline.
Comment: The c.284dupC variant in ALMS1 is a frameshift variant predicted to shift the reading frame beginning at codon 96 and leads to a stop codon 32 codons downstream. This variant is expected to result in nonsense mediated decay, truncation, or a dysfunctional protein product. This variant is rare in the general population with a frequency below the threshold expected for the associated phenotype(s). Given the available evidence, this variant is classified as Likely Pathogenic.

Dasa
Classification: Pathogenic. Last evaluated: 2024-07-19. Review status: criteria provided, single submitter. Criteria: DASA Assertion Criteria. Collection method: clinical testing. Allele origin: germline.
Comment: NM_001378454.1(ALMS1):c.281dup (p.Gln95Alafs*32) introduces a premature termination codon predicted to result in loss of normal protein function. Loss-of-function is an established mechanism of disease for this gene. Multiple computational predictions support a deleterious effect on the gene or gene product. Based on the available data, this variant is classified as pathogenic.

Blueprint Genetics
Classification: Likely pathogenic for ALMS1-related disorders. Last evaluated: 2024-04-30. Review status: criteria provided, single submitter. Criteria: ACMG Guidelines, 2015. Collection method: clinical testing. Allele origin: germline. Affected: yes. Observed: 1 variant allele.

Fulgent Genetics
Classification: Likely pathogenic for Alstrom syndrome. Last evaluated: 2021-07-16. Review status: criteria provided, single submitter. Criteria: ACMG Guidelines, 2015. Collection method: clinical testing. Allele origin: unknown.

Literature cited by the submitters: PubMed 17594715 (cited by Labcorp Genetics (formerly Invitae), Labcorp).